The following is an entry in ClinVar:

NM_014946.4(SPAST):c.749A>G (p.Lys250Arg)

Gene: SPAST (spastin; plus strand). Cytogenetic location: 2p22.3.
Variant type: single nucleotide variant.
Coding change: c.749A>G on transcript NM_014946.4 (MANE Select); coding-DNA position 749, A replaced by G.
Protein change: p.Lys250Arg; replaces lysine 250 with arginine.
Molecular consequence: missense variant.
Genome position (GRCh38, 1-based): chr2:32,114,704, A>G. VCF-style: chr2-32114704-A-G. GRCh37 (hg19) VCF-style: chr2-32339773-A-G.
Other names: c.746A>G, p.Lys249Arg (NM_001363823.2); c.650A>G, p.Lys217Arg (NM_001363875.2); c.653A>G, p.Lys218Arg (NM_001377959.1, NM_199436.2); short protein forms K217R, K218R, K249R, K250R.
Identifiers: ClinVar variation 4778740 (VCV004778740.1).
Genomic context (GRCh38, chr2:32,114,704, plus strand): 5'-GAGCTGTTCCAAAAAGAAAAGACCCCTTAACACACACTAGTAATTCACTGCCTCGTTCAA[A>G]AACAGTTATGAAAACTGGATCTGCAGGCCTTTCAGGCCACCATAGAGCACCTAGTTACAG-3'
Protein context (NP_055761.2, residues 240-260): THTSNSLPRS[Lys250Arg]TVMKTGSAGL

ClinVar aggregate classification (germline): Uncertain significance (1 of 4 stars; one submission).

Conditions:
Hereditary spastic paraplegia 4. Also called: Spastic paraplegia 4, autosomal dominant; Spastic Paraplegia 4; Familial spastic paraplegia autosomal dominant 2. Identifiers: Orphanet 100985, MedGen C1866855, MONDO:0008438, OMIM 182601.

Submission:

Labcorp Genetics (formerly Invitae), Labcorp
Classification: Uncertain significance for Hereditary spastic paraplegia 4. Last evaluated: 2025-05-06. Review status: criteria provided, single submitter. Criteria: Invitae Variant Classification Sherloc (09022015). Collection method: clinical testing. Allele origin: germline.
Comment: This sequence change replaces lysine, which is basic and polar, with arginine, which is basic and polar, at codon 250 of the SPAST protein (p.Lys250Arg). This variant is not present in population databases (gnomAD no frequency). This variant has not been reported in the literature in individuals affected with SPAST-related conditions. Invitae Evidence Modeling of protein sequence and biophysical properties (such as structural, functional, and spatial information, amino acid conservation, physicochemical variation, residue mobility, and thermodynamic stability) has been performed for this missense variant. However, the output from this modeling did not meet the statistical confidence thresholds required to predict the impact of this variant on SPAST protein function. In summary, the available evidence is currently insufficient to determine the role of this variant in disease. Therefore, it has been classified as a Variant of Uncertain Significance.